The following is an entry in ClinVar:

NM_022166.4(XYLT1):c.1176G>A (p.Trp392Ter)

Gene: XYLT1 (xylosyltransferase 1; minus strand). Cytogenetic location: 16p12.3.
Variant type: single nucleotide variant.
Coding change: c.1176G>A on transcript NM_022166.4 (MANE Select); coding-DNA position 1176, G replaced by A.
Protein change: p.Trp392Ter; replaces tryptophan 392 with a stop codon.
Molecular consequence: nonsense.
Genome position (GRCh38, 1-based): chr16:17,198,325, C>T on the plus strand (G>A on the coding strand, the complement: XYLT1 is on the minus strand). VCF-style: chr16-17198325-C-T. GRCh37 (hg19) VCF-style: chr16-17292182-C-T.
Other names: short protein forms W392*.
Identifiers: ClinVar variation 5019493 (VCV005019493.2).

ClinVar aggregate classification (germline): Likely pathogenic (1 of 4 stars; one submission).

Conditions:
Desbuquois dysplasia 2 (DBQD2). Also called: Baratela-Scott syndrome. Identifiers: Orphanet 1425, MedGen C4014294, MONDO:0014343, OMIM 615777.
Autosomal recessive inherited pseudoxanthoma elasticum (PXE). Identifiers: Orphanet 758, MedGen CN032334, MONDO:0009925, OMIM 264800.

Submission:

Juno Genomics, Hangzhou Juno Genomics, Inc
Classification: Likely pathogenic for Autosomal recessive inherited pseudoxanthoma elasticum; Desbuquois dysplasia 2. Review status: criteria provided, single submitter. Criteria: ACMG Guidelines, 2015. Collection method: clinical testing. Allele origin: germline.
Comment: Absent from controls (or at extremely low frequency if recessive) in Genome Aggregation Database.;Null variant in a gene where loss of function (LOF) is a known mechanism of disease.